The following is an entry in ClinVar:

ClinVar aggregate classification (germline): Likely pathogenic. Review status: criteria provided, multiple submitters, no conflicts (2 of 4 stars). 2 submissions from 2 submitters: Likely pathogenic (2). Last evaluated 2022-01-01.

Conditions:
Johanson-Blizzard syndrome (JBS). Also called: Nasal alar hypoplasia, hypothyroidism, pancreatic achylia and congenital deafness. Identifiers: Orphanet 2315, MedGen C0175692, MONDO:0009479, OMIM 243800.

Submissions (2):

Provincial Medical Genetics Program of British Columbia, University of British Columbia
Classification: Likely pathogenic for Johanson-Blizzard syndrome. Last evaluated: 2022-01-01. Review status: criteria provided, single submitter. Criteria: ACMG Guidelines, 2015. Collection method: clinical testing. Allele origin: paternal. Affected: yes.

GeneDx
Classification: Likely pathogenic. Last evaluated: 2021-03-17. Review status: criteria provided, single submitter. Criteria: GeneDx Variant Classification Process June 2021. Collection method: clinical testing. Allele origin: germline. Affected: yes.
Comment: Not observed in large population cohorts (Lek et al., 2016); Has not been previously published as pathogenic or benign to our knowledge

NM_174916.3(UBR1):c.1912-6T>G

Gene: UBR1 (ubiquitin protein ligase E3 component n-recognin 1; minus strand). Cytogenetic location: 15q15.2.
Variant type: single nucleotide variant.
Coding change: c.1912-6T>G on transcript NM_174916.3 (MANE Select); 6 bases into the intron before coding-DNA position 1912, T replaced by G.
Molecular consequence: intron variant.
Genome position (GRCh38, 1-based): chr15:43,037,889, A>C on the plus strand (T>G on the coding strand, the complement: UBR1 is on the minus strand). VCF-style: chr15-43037889-A-C. GRCh37 (hg19) VCF-style: chr15-43330087-A-C.
Identifiers: ClinVar variation 429675 (VCV000429675.4), dbSNP rs1131691523, ClinGen allele CA645369584.